The following is an entry in ClinVar:

ClinVar aggregate classification (germline): Uncertain significance (1 of 4 stars; one submission).

Conditions:
Aneurysm-osteoarthritis syndrome. Also called: LOEYS-DIETZ SYNDROME WITH OSTEOARTHRITIS; SMAD3-Related Loeys-Dietz Syndrome; ANEURYSMS-OSTEOARTHRITIS SYNDROME; Loeys-Dietz syndrome, type 1C. Identifiers: Orphanet 284984, MedGen C3151087, MONDO:0013426, OMIM 613795.

Submission:

All of Us Research Program, National Institutes of Health
Classification: Uncertain significance for Aneurysm-osteoarthritis syndrome. Last evaluated: 2024-08-06. Review status: criteria provided, single submitter. Criteria: ACMG Guidelines, 2015. Collection method: clinical testing. Allele origin: germline. Inheritance: Autosomal dominant inheritance. Observed: 1 variant allele, 1 heterozygote.
Comment: This study involves interpretation of variants in research participants for the purpose of population health screening. Participant phenotype was not available at the time of variant classification. Additional details can be found in publication PMID: 35346344, PMCID: PMC8962531

NM_005902.4(SMAD3):c.1228G>A (p.Val410Ile)

Gene: SMAD3 (SMAD family member 3; plus strand). Cytogenetic location: 15q22.33.
Variant type: single nucleotide variant.
Coding change: c.1228G>A on transcript NM_005902.4 (MANE Select); coding-DNA position 1228, G replaced by A.
Protein change: p.Val410Ile; replaces valine 410 with isoleucine.
Molecular consequence: missense variant.
Genome position (GRCh38, 1-based): chr15:67,190,486, G>A. VCF-style: chr15-67190486-G-A. GRCh37 (hg19) VCF-style: chr15-67482824-G-A.
Other names: c.913G>A, p.Val305Ile (NM_001145102.2, NM_001407016.1); c.1096G>A, p.Val366Ile (NM_001145103.2, NM_001407012.1); c.643G>A, p.Val215Ile (NM_001145104.2, NM_001407017.1); c.1339G>A, p.Val447Ile (NM_001407011.1); c.1090G>A, p.Val364Ile (NM_001407013.1); c.1081G>A, p.Val361Ile (NM_001407014.1); c.781G>A, p.Val261Ile (NM_001407015.1); short protein forms V215I, V261I, V305I, V361I, V364I, V366I, V410I, V447I.
Identifiers: ClinVar variation 3386022 (VCV003386022.1).
Genomic context (GRCh38, chr15:67,190,486, plus strand): 5'-ACCAGTACCCCCTGCTGGATTGAGCTGCACCTGAATGGGCCTTTGCAGTGGCTTGACAAG[G>A]TCCTCACCCAGATGGGCTCCCCAAGCATCCGCTGTTCCAGTGTGTCTTAGAGACATCAAG-3'
Protein context (NP_005893.1, residues 400-420): LNGPLQWLDK[Val410Ile]LTQMGSPSIR